The following is an entry in ClinVar:

ClinVar aggregate classification (germline): Uncertain significance. Review status: criteria provided, multiple submitters, no conflicts (2 of 4 stars). 2 submissions from 2 submitters: Uncertain significance (2). Last evaluated 2022-09-21.

Conditions:
Inborn genetic diseases. Identifiers: MedGen C0950123, MeSH D030342.
Lethal multiple pterygium syndrome (LMPS). Identifiers: Orphanet 33108, MedGen C1854678, MONDO:0009668, OMIM 253290.

Submissions (2):

Labcorp Genetics (formerly Invitae), Labcorp
Classification: Uncertain significance for Lethal multiple pterygium syndrome. Last evaluated: 2022-09-21. Review status: criteria provided, single submitter. Criteria: Invitae Variant Classification Sherloc (09022015). Collection method: clinical testing. Allele origin: germline.
Comment: This variant is not present in population databases (gnomAD no frequency). This sequence change replaces leucine, which is neutral and non-polar, with methionine, which is neutral and non-polar, at codon 271 of the CHRNA1 protein (p.Leu271Met). This variant has not been reported in the literature in individuals affected with CHRNA1-related conditions. In summary, the available evidence is currently insufficient to determine the role of this variant in disease. Therefore, it has been classified as a Variant of Uncertain Significance. Advanced modeling of protein sequence and biophysical properties (such as structural, functional, and spatial information, amino acid conservation, physicochemical variation, residue mobility, and thermodynamic stability) performed at Invitae indicates that this missense variant is not expected to disrupt CHRNA1 protein function.

Ambry Genetics
Classification: Uncertain significance for Inborn genetic diseases. Last evaluated: 2022-05-12. Review status: criteria provided, single submitter. Criteria: Ambry Variant Classification Scheme 2023. Collection method: clinical testing. Allele origin: germline.
Comment: The c.811C>A (p.L271M) alteration is located in exon 7 (coding exon 7) of the CHRNA1 gene. This alteration results from a C to A substitution at nucleotide position 811, causing the leucine (L) at amino acid position 271 to be replaced by a methionine (M). This variant was not reported in population-based cohorts in the Genome Aggregation Database (gnomAD). This amino acid position is highly conserved in available vertebrate species. The in silico prediction for this alteration is inconclusive. Based on insufficient or conflicting evidence, the clinical significance of this alteration remains unclear.

NM_000079.4(CHRNA1):c.811C>A (p.Leu271Met)

Gene: CHRNA1 (cholinergic receptor nicotinic alpha 1 subunit; minus strand). Cytogenetic location: 2q31.1.
Variant type: single nucleotide variant.
Coding change: c.811C>A on transcript NM_000079.4 (MANE Select); coding-DNA position 811, C replaced by A.
Protein change: p.Leu271Met; replaces leucine 271 with methionine.
Molecular consequence: missense variant.
Genome position (GRCh38, 1-based): chr2:174,750,137, G>T on the plus strand (C>A on the coding strand, the complement: CHRNA1 is on the minus strand). VCF-style: chr2-174750137-G-T. GRCh37 (hg19) VCF-style: chr2-175614865-G-T.
Other names: c.886C>A, p.Leu296Met (NM_001039523.3); short protein forms L271M, L296M.
Identifiers: ClinVar variation 1960866 (VCV001960866.6), dbSNP rs2468888998, ClinGen allele CA349336952.